The following is an entry in ClinVar:

ClinVar aggregate classification (germline): Uncertain significance (1 of 4 stars; one submission).

Conditions:
Ataxia-telangiectasia syndrome (AT). Also called: AT, COMPLEMENTATION GROUP C; Ataxia telangiectasia (A-T); Cerebello-oculocutaneous telangiectasia; Immunodeficiency with ataxia telangiectasia; LOUIS-BAR SYNDROME; Ataxia-telangiectasia. Identifiers: Orphanet 100, MedGen C0004135, MONDO:0008840, OMIM 208900.

Submission:

Labcorp Genetics (formerly Invitae), Labcorp
Classification: Uncertain significance for Ataxia-telangiectasia syndrome. Last evaluated: 2019-10-31. Review status: criteria provided, single submitter. Criteria: Invitae Variant Classification Sherloc (09022015). Collection method: clinical testing. Allele origin: germline.
Comment: This variant has not been reported in the literature in individuals with ATM-related conditions. Algorithms developed to predict the effect of missense changes on protein structure and function (SIFT, PolyPhen-2, Align-GVGD) all suggest that this variant is likely to be disruptive, but these predictions have not been confirmed by published functional studies and their clinical significance is uncertain. This sequence change replaces leucine with histidine at codon 263 of the ATM protein (p.Leu263His). The leucine residue is highly conserved and there is a moderate physicochemical difference between leucine and histidine. This variant is not present in population databases (ExAC no frequency). In summary, the available evidence is currently insufficient to determine the role of this variant in disease. Therefore, it has been classified as a Variant of Uncertain Significance.

NM_000051.4(ATM):c.788T>A (p.Leu263His)

Gene: ATM (ATM serine/threonine kinase; plus strand). Cytogenetic location: 11q22.3.
Variant type: single nucleotide variant.
Coding change: c.788T>A on transcript NM_000051.4 (MANE Select); coding-DNA position 788, T replaced by A.
Protein change: p.Leu263His; replaces leucine 263 with histidine.
Molecular consequence: missense variant.
Genome position (GRCh38, 1-based): chr11:108,244,913, T>A. VCF-style: chr11-108244913-T-A. GRCh37 (hg19) VCF-style: chr11-108115640-T-A.
Other names: c.788T>A, p.Leu263His (NM_001351834.2); short protein forms L263H.
Identifiers: ClinVar variation 961998 (VCV000961998.9), dbSNP rs2079765536, ClinGen allele CA382529345.